The following is an entry in ClinVar:

NM_001375808.2(LPIN2):c.689del (p.Pro230fs)

Gene: LPIN2 (lipin 2; minus strand). Cytogenetic location: 18p11.31.
Variant type: Deletion.
Coding change: c.689del on transcript NM_001375808.2 (MANE Select); coding-DNA position 689, one base deleted (C; older notation c.689delC).
Protein change: p.Pro230fs; shifts the reading frame from proline 230.
Molecular consequence: frameshift variant.
Genome position (GRCh38, 1-based): chr18:2,940,614, G deleted on the plus strand (C on the coding strand, the reverse complement: LPIN2 is on the minus strand); the first of 4 consecutive G bases (chr18:2,940,614-2,940,617); deleting any one gives the same sequence. VCF-style (leftmost placement, unchanged base first): chr18-2940613-AG-A. GRCh37 (hg19) VCF-style: chr18-2940611-AG-A.
Other names: c.689del, p.Pro230fs (NM_001375809.1, NM_014646.2); short protein forms P230fs.
Identifiers: ClinVar variation 2769904 (VCV002769904.3), dbSNP rs2510267437, ClinGen allele CA2697555315.
Genomic context (GRCh38, chr18:2,940,613, plus strand): 5'-TAATACATCTCCTTCCTCTTTCAAGAAACCAAGAAATTTCAAAGATACTTACGTCTCTAA[AG>A]GGGACCAATCTCCATCAGATAAGGGGTAATGATCCCCAGAATGGAAGAGCAAAGGCTCTT-3'

ClinVar aggregate classification (germline): Pathogenic (1 of 4 stars; one submission).

Conditions:
Majeed syndrome (MJDS). Also called: LPIN2-Related Majeed Syndrome; CHRONIC RECURRENT MULTIFOCAL OSTEOMYELITIS 1, WITH CONGENITAL DYSERYTHROPOIETIC ANEMIA, WITH OR WITHOUT NEUTROPHILIC DERMATOSIS. Identifiers: Orphanet 77297, MedGen C1864997, MONDO:0012316, OMIM 609628.

Submission:

Labcorp Genetics (formerly Invitae), Labcorp
Classification: Pathogenic for Majeed syndrome. Last evaluated: 2023-10-23. Review status: criteria provided, single submitter. Criteria: Invitae Variant Classification Sherloc (09022015). Collection method: clinical testing. Allele origin: germline.
Comment: This sequence change creates a premature translational stop signal (p.Pro230Leufs*2) in the LPIN2 gene. It is expected to result in an absent or disrupted protein product. Loss-of-function variants in LPIN2 are known to be pathogenic (PMID: 15994876, 23087183). This variant is not present in population databases (gnomAD no frequency). This variant has not been reported in the literature in individuals affected with LPIN2-related conditions. For these reasons, this variant has been classified as Pathogenic.

Literature cited by the submitters: PubMed 15994876; PubMed 23087183.